The following is an entry in ClinVar:

ClinVar aggregate classification (germline): Uncertain significance (1 of 4 stars; one submission).

Submission:

CeGaT Center for Human Genetics Tuebingen
Classification: Uncertain significance. Last evaluated: 2023-07-01. Review status: criteria provided, single submitter. Criteria: CeGaT Center For Human Genetics Tuebingen Variant Classification Criteria Version 2. Collection method: clinical testing. Allele origin: germline. Affected: yes. Observed: 1 variant allele.
Comment: EFTUD2: PM2, PP3, PS2:Supporting

NM_004247.4(EFTUD2):c.1274G>A (p.Gly425Asp)

Gene: EFTUD2 (elongation factor Tu GTP binding domain containing 2; minus strand). Cytogenetic location: 17q21.31.
Variant type: single nucleotide variant.
Coding change: c.1274G>A on transcript NM_004247.4 (MANE Select); coding-DNA position 1274, G replaced by A.
Protein change: p.Gly425Asp; replaces glycine 425 with aspartic acid.
Molecular consequence: missense variant.
Genome position (GRCh38, 1-based): chr17:44,864,941, C>T on the plus strand (G>A on the coding strand, the complement: EFTUD2 is on the minus strand). VCF-style: chr17-44864941-C-T. GRCh37 (hg19) VCF-style: chr17-42942309-C-T.
Other names: c.1169G>A, p.Gly390Asp (NM_001142605.2); c.1274G>A, p.Gly425Asp (NM_001258353.2); c.1244G>A, p.Gly415Asp (NM_001258354.2); short protein forms G390D, G415D, G425D.
Identifiers: ClinVar variation 2578789 (VCV002578789.25), dbSNP rs2508770956, ClinGen allele CA399815191.